The following is an entry in ClinVar:

NM_001844.5(COL2A1):c.4414G>T (p.Gly1472Trp)

Gene: COL2A1 (collagen type II alpha 1 chain; minus strand). Cytogenetic location: 12q13.11.
Variant type: single nucleotide variant.
Coding change: c.4414G>T on transcript NM_001844.5 (MANE Select); coding-DNA position 4414, G replaced by T.
Protein change: p.Gly1472Trp; replaces glycine 1472 with tryptophan.
Molecular consequence: missense variant.
Genome position (GRCh38, 1-based): chr12:47,973,457, C>A on the plus strand (G>T on the coding strand, the complement: COL2A1 is on the minus strand). VCF-style: chr12-47973457-C-A. GRCh37 (hg19) VCF-style: chr12-48367240-C-A.
Other names: c.4207G>T, p.Gly1403Trp (NM_033150.3); c.4414G>T (NM_001844.4); short protein forms G1472W, G1403W.
Identifiers: ClinVar variation 1507574 (VCV001507574.8), dbSNP rs763352763, ClinGen allele CA6534459.

ClinVar aggregate classification (germline): Uncertain significance. Review status: criteria provided, multiple submitters, no conflicts (2 of 4 stars). 3 submissions from 3 submitters: Uncertain significance (3). Last evaluated 2025-04-01.

Conditions:
Inborn genetic diseases. Identifiers: MedGen C0950123, MeSH D030342.

Allele frequency attached by ClinVar (database versions not stated): gnomAD 0.00001.

Submissions (3):

Ambry Genetics
Classification: Uncertain significance for Inborn genetic diseases. Last evaluated: 2025-04-01. Review status: criteria provided, single submitter. Criteria: Ambry Variant Classification Scheme 2023. Collection method: clinical testing. Allele origin: germline.

GeneDx
Classification: Uncertain significance. Last evaluated: 2024-11-20. Review status: criteria provided, single submitter. Criteria: GeneDx Variant Classification Process June 2021. Collection method: clinical testing. Allele origin: germline. Affected: yes.
Comment: In silico analysis supports that this missense variant has a deleterious effect on protein structure/function; Has not been previously published as pathogenic or benign to our knowledge; Not located in the triple helical region, where the majority of pathogenic missense variants occur (HGMD)

Labcorp Genetics (formerly Invitae), Labcorp
Classification: Uncertain significance. Last evaluated: 2024-04-11. Review status: criteria provided, single submitter. Criteria: Invitae Variant Classification Sherloc (09022015). Collection method: clinical testing. Allele origin: germline.
Comment: This sequence change replaces glycine, which is neutral and non-polar, with tryptophan, which is neutral and slightly polar, at codon 1472 of the COL2A1 protein (p.Gly1472Trp). This variant is present in population databases (rs763352763, gnomAD 0.002%). This variant has not been reported in the literature in individuals affected with COL2A1-related conditions. ClinVar contains an entry for this variant (Variation ID: 1507574). Advanced modeling of protein sequence and biophysical properties (such as structural, functional, and spatial information, amino acid conservation, physicochemical variation, residue mobility, and thermodynamic stability) performed at Invitae indicates that this missense variant is expected to disrupt COL2A1 protein function with a positive predictive value of 80%. In summary, the available evidence is currently insufficient to determine the role of this variant in disease. Therefore, it has been classified as a Variant of Uncertain Significance.